The following is an entry in ClinVar:

NM_153717.3(EVC):c.2885G>T (p.Gly962Val)

Gene: EVC (EvC ciliary complex subunit 1; plus strand). Cytogenetic location: 4p16.2.
Variant type: single nucleotide variant.
Coding change: c.2885G>T on transcript NM_153717.3 (MANE Select); coding-DNA position 2885, G replaced by T.
Protein change: p.Gly962Val; replaces glycine 962 with valine.
Molecular consequence: missense variant.
Genome position (GRCh38, 1-based): chr4:5,810,441, G>T. VCF-style: chr4-5810441-G-T. GRCh37 (hg19) VCF-style: chr4-5812168-G-T.
Other names: c.2885G>T, p.Gly962Val (NM_001306090.2); short protein forms G962V.
Identifiers: ClinVar variation 2151650 (VCV002151650.1), dbSNP rs1716713715, ClinGen allele CA356153208.

ClinVar aggregate classification (germline): Uncertain significance (1 of 4 stars; one submission).

Conditions:
Ellis-van Creveld syndrome (EVC). Also called: Chondroectodermal dysplasia; EVC-Related Ellis-van Creveld Syndrome; EVC2-Related Ellis-van Creveld Syndrome; MESOECTODERMAL DYSPLASIA. Identifiers: Orphanet 289, MedGen C0013903, MONDO:0009162, OMIM 225500.
Curry-Hall syndrome (WAD). Also called: WEYERS ACRODENTAL DYSOSTOSIS. Identifiers: Orphanet 952, MedGen C0457013, MONDO:0008673, OMIM 193530.

Allele frequency attached by ClinVar (database versions not stated): gnomAD 0.00001.

Submission:

Labcorp Genetics (formerly Invitae), Labcorp
Classification: Uncertain significance for Curry-Hall syndrome; Ellis-van Creveld syndrome. Last evaluated: 2022-05-28. Review status: criteria provided, single submitter. Criteria: Invitae Variant Classification Sherloc (09022015). Collection method: clinical testing. Allele origin: germline.
Comment: This sequence change replaces glycine, which is neutral and non-polar, with valine, which is neutral and non-polar, at codon 962 of the EVC protein (p.Gly962Val). This variant is not present in population databases (gnomAD no frequency). This variant has not been reported in the literature in individuals affected with EVC-related conditions. Algorithms developed to predict the effect of missense changes on protein structure and function are either unavailable or do not agree on the potential impact of this missense change (SIFT: "Deleterious"; PolyPhen-2: "Possibly Damaging"; Align-GVGD: "Class C0"). In summary, the available evidence is currently insufficient to determine the role of this variant in disease. Therefore, it has been classified as a Variant of Uncertain Significance.